The following is an entry in ClinVar:

NM_133259.4(LRPPRC):c.3986-31T>G

Gene: LRPPRC (leucine rich pentatricopeptide repeat containing; minus strand). Cytogenetic location: 2p21.
Variant type: single nucleotide variant.
Coding change: c.3986-31T>G on transcript NM_133259.4 (MANE Select); 31 bases into the intron before coding-DNA position 3986, T replaced by G.
Molecular consequence: intron variant.
Genome position (GRCh38, 1-based): chr2:43,889,907, A>C on the plus strand (T>G on the coding strand, the complement: LRPPRC is on the minus strand). VCF-style: chr2-43889907-A-C. GRCh37 (hg19) VCF-style: chr2-44117046-A-C.
Identifiers: ClinVar variation 676031 (VCV000676031.2), dbSNP rs2955281, ClinGen allele CA1637850.

ClinVar aggregate classification (germline): Benign. Review status: criteria provided, multiple submitters, no conflicts (2 of 4 stars). 2 submissions from 2 submitters: Benign (2). Last evaluated 2018-06-16.

Allele frequency attached by ClinVar (database versions not stated): ESP Exome Variant Server 0.00046; gnomAD 0.00230 and 0.00368; gnomAD exomes 0.00279 and 0.00801; TOPMed 0.00373; ExAC 0.00797; 1000 Genomes Project 30x 0.01593; 1000 Genomes Project 0.01657.

Submissions (2):

GeneDx
Classification: Benign. Last evaluated: 2018-06-16. Review status: criteria provided, single submitter. Criteria: GeneDx Variant Classification (06012015). Collection method: clinical testing. Allele origin: germline. Affected: yes.
Comment: This variant is considered likely benign or benign based on one or more of the following criteria: it is a conservative change, it occurs at a poorly conserved position in the protein, it is predicted to be benign by multiple in silico algorithms, and/or has population frequency not consistent with disease.

Breakthrough Genomics
Classification: Benign. Review status: criteria provided, single submitter. Criteria: ACMG Guidelines, 2015. Collection method: not provided. Allele origin: germline. Inheritance: Autosomal recessive inheritance. Affected: yes.